The following is an entry in ClinVar:

ClinVar aggregate classification (germline): Uncertain significance (1 of 4 stars; one submission).

Conditions:
Cardiospondylocarpofacial syndrome (CSCF). Identifiers: Orphanet 3238, MedGen C2931461, MONDO:0008005, OMIM 157800.
Frontometaphyseal dysplasia 2 (FMD2). Identifiers: MedGen C4310697, MONDO:0014935, OMIM 617137.

Submission:

New York Genome Center
Classification: Uncertain significance for Cardiospondylocarpofacial syndrome; Frontometaphyseal dysplasia 2. Last evaluated: 2022-02-03. Review status: criteria provided, single submitter. Criteria: NYGC Assertion Criteria 2020. Collection method: clinical testing. Allele origin: de novo. Observed: 1 heterozygote. Study: CSER-NYCKidSeq.
Comment: The de novo c.798_800del (p.Cys266del) variant identified in the MAP3K7 gene is a single, in-frame amino acid deletion of a very well conserved Cysteine at amino acid 266/607 (exon 8/17). This variant is absent from gnomAD(v3.1.2) suggesting it is not a common benign variant in the populations represented in that database. This variant is absent from ClinVar and to our current knowledge has not been reported in affected individuals in the literature. The p.Cys266 residue is located within the kinase domain of MAP3K7 (UniProtKB:O43318). While this variant is identified de novo, absent in population databases, and present in a functional domain, the lack of evidence for the functional consequence of this variant and the role of MAP3K7 in dilated cardiomyopathy leads to the classification of this variant as a Variant of Uncertain Significance.

NM_145331.3(MAP3K7):c.795TTG[1] (p.Cys266del)

Gene: MAP3K7 (mitogen-activated protein kinase kinase kinase 7; minus strand). Cytogenetic location: 6q15.
Variant type: Microsatellite.
Coding change: c.795TTG[1] on transcript NM_145331.3 (MANE Select); one copy of the 3-base unit TTG starting at c.795; the reference has two copies in a row; one copy, 3 bases deleted; also written c.798_800del.
Protein change: p.Cys266del; deletes cysteine 266.
Molecular consequence: inframe deletion.
Genome position (GRCh38, 1-based): chr6:90,552,116-90,552,118, CAA deleted on the plus strand (TTG on the coding strand, the reverse complement: MAP3K7 is on the minus strand); deleting any 3 consecutive bases within chr6:90,552,116-90,552,122 gives the same sequence; the position shown is the placement nearest the transcript's 3' end. VCF-style (leftmost placement, unchanged base first): chr6-90552115-CCAA-C. GRCh37 (hg19) VCF-style: chr6-91261834-CCAA-C.
Other names: c.795TTG[1], p.Cys266del (NM_003188.4, NM_145332.3, NM_145333.3); c.798_800del (NM_145331.3); short protein forms C266del.
Identifiers: ClinVar variation 1701696 (VCV001701696.2), dbSNP rs2127974453, ClinGen allele CA2580617312.